The following is an entry in ClinVar:

ClinVar aggregate classification (germline): Conflicting classifications of pathogenicity. Review status: criteria provided, conflicting classifications (1 of 4 stars). 3 submissions from 3 submitters: Uncertain significance (2); Likely benign (1). Last evaluated 2025-06-02.

Conditions:
Inborn genetic diseases. Identifiers: MedGen C0950123, MeSH D030342.
Fanconi anemia (FA). Also called: Fanconi's anemia. Identifiers: Orphanet 84, MedGen C0015625, MeSH D005199, MONDO:0019391.
Fanconi anemia complementation group A (FANCA). Also called: Fanconi anemia, group A; FANCA-Related Fanconi Anemia. Identifiers: Orphanet 84, MedGen C3469521, MONDO:0009215, OMIM 227650.

Allele frequency attached by ClinVar (database versions not stated): gnomAD 0.00001; gnomAD exomes 0.00003 and 0.00007; ExAC 0.00009.
gnomAD v4.1: 45 of 1,613,952 alleles (0.0028%); highest among the groups gnomAD compares: South Asian, 0.048%; no homozygotes.

Submissions (3):

Ambry Genetics
Classification: Uncertain significance for Inborn genetic diseases. Last evaluated: 2025-06-02. Review status: criteria provided, single submitter. Criteria: Ambry Variant Classification Scheme 2023. Collection method: clinical testing. Allele origin: germline.
Comment: The p.N1003S variant (also known as c.3008A>G), located in coding exon 31 of the FANCA gene, results from an A to G substitution at nucleotide position 3008. The asparagine at codon 1003 is replaced by serine, an amino acid with highly similar properties. This amino acid position is conserved. In addition, this alteration is predicted to be tolerated by in silico analysis. Based on the available evidence, the clinical significance of this variant remains unclear.

Labcorp Genetics (formerly Invitae), Labcorp
Classification: Likely benign for Fanconi anemia. Last evaluated: 2023-06-07. Review status: criteria provided, single submitter. Criteria: Invitae Variant Classification Sherloc (09022015). Collection method: clinical testing. Allele origin: germline.

St. Jude Molecular Pathology, St. Jude Children's Research Hospital
Classification: Uncertain significance for Fanconi anemia complementation group A. Last evaluated: 2022-10-11. Review status: criteria provided, single submitter. Criteria: St. Jude Assertion Criteria 2020. Collection method: clinical testing. Allele origin: germline.
Comment: The FANCA c.3008A>G (p.Asn1003Ser) missense change has a maximum subpopulation frequency of 0.056% in gnomAD v2.1.1. The in silico tool REVEL predicts a benign effect on protein function, but to our knowledge this prediction has not been confirmed by functional studies. To our knowledge, this variant has not been reported in individuals with Fanconi anemia. In summary, the evidence currently available is insufficient to determine the clinical significance of this variant. It has therefore been classified as of uncertain significance.

NM_000135.4(FANCA):c.3008A>G (p.Asn1003Ser)

Gene: FANCA (FA complementation group A; minus strand). Cytogenetic location: 16q24.3.
Variant type: single nucleotide variant.
Coding change: c.3008A>G on transcript NM_000135.4 (MANE Select); coding-DNA position 3008, A replaced by G.
Protein change: p.Asn1003Ser; replaces asparagine 1003 with serine.
Molecular consequence: missense variant.
Genome position (GRCh38, 1-based): chr16:89,752,196, T>C on the plus strand (A>G on the coding strand, the complement: FANCA is on the minus strand). VCF-style: chr16-89752196-T-C. GRCh37 (hg19) VCF-style: chr16-89818604-T-C.
Other names: c.3008A>G, p.Asn1003Ser (NM_001286167.3); c.3008A>G (NM_000135.2); short protein forms N1003S.
Identifiers: ClinVar variation 1583229 (VCV001583229.11), dbSNP rs757175768, ClinGen allele CA8251380.
Genomic context (GRCh38, chr16:89,752,196, plus strand): 5'-ACCTGCAATCTGGAAATAATATCCTCATTTCCTGTGCGGCCACCAAAGACCAAATCAGAA[T>C]TTTCTGAGTGGTCATAACTCCTTGAGCTGAAATGAAAATACAATAAAATCCTCCTCAGTA-3'
Protein context (NP_000126.2, residues 993-1013): QSSRSYDHSE[Asn1003Ser]SDLVFGGRTG